The following is an entry in ClinVar:

ClinVar aggregate classification (germline): Likely benign. Review status: criteria provided, single submitter (1 of 4 stars). 2 submissions from 2 submitters: Likely benign (1). 1 of the submissions does not count toward it. Last evaluated 2024-10-17.

Conditions:
PCNT-related disorder. Also called: PCNT-related condition.

Allele frequency attached by ClinVar (database versions not stated): ExAC 0.00001; TOPMed 0.00001; gnomAD exomes 0.00005.
gnomAD v4.1: 65 of 1,613,294 alleles (0.004%); highest among the groups gnomAD compares: Non-Finnish European, 0.0052%; no homozygotes.

Submissions (2):

Labcorp Genetics (formerly Invitae), Labcorp
Classification: Likely benign. Last evaluated: 2024-10-17. Review status: criteria provided, single submitter. Criteria: Invitae Variant Classification Sherloc (09022015). Collection method: clinical testing. Allele origin: germline.

PreventionGenetics, part of Exact Sciences
Classification: Likely benign for PCNT-related condition. Last evaluated: 2022-06-23. Review status: no assertion criteria provided. Collection method: clinical testing. Allele origin: germline. Not counted in ClinVar's aggregate classification.
Comment: This variant is classified as likely benign based on ACMG/AMP sequence variant interpretation guidelines (Richards et al. 2015 PMID: 25741868, with internal and published modifications).

NM_006031.6(PCNT):c.9489C>T (p.Phe3163=)

Gene: PCNT (pericentrin; plus strand). Cytogenetic location: 21q22.3.
Variant type: single nucleotide variant.
Coding change: c.9489C>T on transcript NM_006031.6 (MANE Select); coding-DNA position 9489, C replaced by T.
Protein change: p.Phe3163=; no amino-acid change (phenylalanine 3163 retained).
Molecular consequence: synonymous variant.
Genome position (GRCh38, 1-based): chr21:46,440,950, C>T. VCF-style: chr21-46440950-C-T. GRCh37 (hg19) VCF-style: chr21-47860863-C-T.
Other names: c.8898C>T, p.Phe2966= (NM_001315529.2); c.9489C>T (NM_006031.5).
Identifiers: ClinVar variation 3023801 (VCV003023801.5), dbSNP rs757557874, ClinGen allele CA10081337.
Genomic context (GRCh38, chr21:46,440,950, plus strand): 5'-GAGCTTTAGAAAAGCTCTGATTTATCAAAAGAAGTATCTTTTGCTGTTGATTGGTGGATT[C>T]CAGGATTCTGAACAAGAAACACTCTCCATGATTGCCCATTTGGGGGTATTTCCTTCCAAA-3'
Protein context (NP_006022.3, residues 3153-3173): KKYLLLLIGG[Phe3163=]QDSEQETLSM